The following is an entry in ClinVar:

NM_000264.5(PTCH1):c.2678G>A (p.Arg893His)

Gene: PTCH1 (patched 1; minus strand). Cytogenetic location: 9q22.32.
Variant type: single nucleotide variant.
Coding change: c.2678G>A on transcript NM_000264.5 (MANE Select); coding-DNA position 2678, G replaced by A.
Protein change: p.Arg893His; replaces arginine 893 with histidine.
Molecular consequence: missense variant. On other transcripts: non-coding transcript variant (1).
Genome position (GRCh38, 1-based): chr9:95,461,881, C>T on the plus strand (G>A on the coding strand, the complement: PTCH1 is on the minus strand). VCF-style: chr9-95461881-C-T. GRCh37 (hg19) VCF-style: chr9-98224163-C-T.
Other names: c.2480G>A, p.Arg827His (NM_001083602.3); c.2675G>A, p.Arg892His (NM_001083603.3); c.2225G>A, p.Arg742His (NM_001083604.3, NM_001083605.3, NM_001083606.3 and 1 more transcripts); c.2522G>A, p.Arg841His (NM_001354918.2); c.2678G>A (NM_000264.4); short protein forms R827H, R893H, R742H, R892H, R841H.
Identifiers: ClinVar variation 41656 (VCV000041656.48), dbSNP rs138154222, ClinGen allele CA215695.

ClinVar aggregate classification (germline): Benign/Likely benign. Review status: criteria provided, multiple submitters, no conflicts (2 of 4 stars). 11 submissions from 10 submitters: Benign (5); Likely benign (5). 1 of the submissions does not count toward it. Last evaluated 2026-02-03.

Conditions:
Hereditary cancer-predisposing syndrome. Also called: Tumor predisposition; Neoplastic Syndromes, Hereditary; Hereditary Cancer Syndrome; Hereditary neoplastic syndrome. Identifiers: Orphanet 140162, MedGen C0027672, MeSH D009386, MONDO:0015356.
Holoprosencephaly 7 (HPE7). Identifiers: Orphanet 2162, MedGen C1835820, MONDO:0012562, OMIM 610828.
Gorlin syndrome. Also called: Basal cell nevus syndrome; Nevoid Basal Cell Carcinoma Syndrome. Identifiers: Orphanet 377, MedGen C0004779, MONDO:0007187.

Allele frequency attached by ClinVar (database versions not stated): gnomAD 0.00014 and 0.00026; TOPMed 0.00029; gnomAD exomes 0.00039 and 0.00060; ExAC 0.00059; 1000 Genomes Project 0.00200; 1000 Genomes Project 30x 0.00203.
gnomAD v4.1: 616 of 1,614,206 alleles (0.038%); highest among the groups gnomAD compares: East Asian, 1.1%; 8 homozygotes.

Submissions (11):

Labcorp Genetics (formerly Invitae), Labcorp
Classification: Benign for Gorlin syndrome. Last evaluated: 2026-02-03. Review status: criteria provided, single submitter. Criteria: Invitae Variant Classification Sherloc (09022015). Collection method: clinical testing. Allele origin: germline.

Center for Genomic Medicine, Rigshospitalet, Copenhagen University Hospital
Classification: Benign. Last evaluated: 2025-03-04. Review status: criteria provided, single submitter. Criteria: ACMG Guidelines, 2015. Collection method: clinical testing. Allele origin: germline.

CeGaT Center for Human Genetics Tuebingen
Classification: Likely benign. Last evaluated: 2025-01-01. Review status: criteria provided, single submitter. Criteria: CeGaT Center For Human Genetics Tuebingen Variant Classification Criteria Version 2. Collection method: clinical testing. Allele origin: germline. Affected: yes. Observed: 3 variant alleles.
Comment: PTCH1: BS1

Blueprint Genetics
Classification: Likely benign. Last evaluated: 2024-10-10. Review status: criteria provided, single submitter. Criteria: ACMG Guidelines, 2015. Collection method: clinical testing. Allele origin: germline.

Quest Diagnostics Nichols Institute San Juan Capistrano
Classification: Benign. Last evaluated: 2022-04-28. Review status: criteria provided, single submitter. Criteria: Quest Diagnostics criteria. Collection method: clinical testing. Allele origin: unknown.

GeneDx
Classification: Likely benign. Last evaluated: 2019-11-26. Review status: criteria provided, single submitter. Criteria: GeneDx Variant Classification Process June 2021. Collection method: clinical testing. Allele origin: germline. Affected: yes.
Comment: This variant is associated with the following publications: (PMID: 29642553, 24942795, 16109989, 22703879)

Ambry Genetics
Classification: Likely benign for Hereditary cancer-predisposing syndrome. Last evaluated: 2018-06-20. Review status: criteria provided, single submitter. Criteria: Ambry Variant Classification Scheme 2023. Collection method: clinical testing. Allele origin: germline.

Illumina Laboratory Services, Illumina
Classification: Benign for Basal cell nevus syndrome 1. Last evaluated: 2018-01-13. Review status: criteria provided, single submitter. Criteria: ICSL Variant Classification Criteria 13 December 2019. Collection method: clinical testing. Allele origin: germline.
Comment: This variant was observed in the ICSL laboratory as part of a predisposition screen in an ostensibly healthy population. It had not been previously curated by ICSL or reported in the Human Gene Mutation Database (HGMD: prior to June 1st, 2018), and was therefore a candidate for classification through an automated scoring system. Utilizing variant allele frequency, disease prevalence and penetrance estimates, and inheritance mode, an automated score was calculated to assess if this variant is too frequent to cause the disease. Based on the score and internal cut-off values, a variant classified as benign is not then subjected to further curation. The score for this variant resulted in a classification of benign for this disease.

Illumina Laboratory Services, Illumina
Classification: Benign for Holoprosencephaly 7. Last evaluated: 2018-01-13. Review status: criteria provided, single submitter. Criteria: ICSL Variant Classification Criteria 13 December 2019. Collection method: clinical testing. Allele origin: germline.
Comment: the same text as in the submission from Illumina Laboratory Services, Illumina above.

Center for Pediatric Genomic Medicine, Children's Mercy Hospital and Clinics
Classification: Likely benign. Last evaluated: 2017-06-05. Review status: criteria provided, single submitter. Criteria: ACMG Guidelines, 2015. Collection method: clinical testing. Allele origin: germline.

Biesecker Lab/Clinical Genomics Section, National Institutes of Health
Classification: Uncertain significance. Last evaluated: 2012-07-13. Review status: no assertion criteria provided. Collection method: research. Allele origin: germline. Affected: no. Observed: 1 variant allele. Study: ClinSeq. Not counted in ClinVar's aggregate classification.
ClinVar note: Converted during submission from variant of unknown significance to Uncertain significance.

Literature cited by the submitters: PubMed 24942795 (cited by Quest Diagnostics Nichols Institute San Juan Capistrano and Ambry Genetics).